The following is an entry in ClinVar:

ClinVar aggregate classification (germline): Uncertain significance (1 of 4 stars; one submission).

gnomAD v4.1: 7 of 1,610,202 alleles (0.00043%); highest among the groups gnomAD compares: South Asian, 0.0044%; 1 homozygote.

Submission:

Labcorp Genetics (formerly Invitae), Labcorp
Classification: Uncertain significance. Last evaluated: 2024-10-29. Review status: criteria provided, single submitter. Criteria: Invitae Variant Classification Sherloc (09022015). Collection method: clinical testing. Allele origin: germline.
Comment: This sequence change replaces methionine, which is neutral and non-polar, with valine, which is neutral and non-polar, at codon 264 of the ARCN1 protein (p.Met264Val). This variant is present in population databases (no rsID available, gnomAD 0.007%), including at least one homozygous and/or hemizygous individual. This variant has not been reported in the literature in individuals affected with ARCN1-related conditions. An algorithm developed to predict the effect of missense changes on protein structure and function outputs the following: PolyPhen-2: "Benign". The valine amino acid residue is found in multiple mammalian species, which suggests that this missense change does not adversely affect protein function. In summary, the available evidence is currently insufficient to determine the role of this variant in disease. Therefore, it has been classified as a Variant of Uncertain Significance.

NM_001655.5(ARCN1):c.790A>G (p.Met264Val)

Gene: ARCN1 (archain 1 coat protein complex I subunit delta; plus strand). Cytogenetic location: 11q23.3.
Variant type: single nucleotide variant.
Coding change: c.790A>G on transcript NM_001655.5 (MANE Select); coding-DNA position 790, A replaced by G.
Protein change: p.Met264Val; replaces methionine 264 with valine.
Molecular consequence: missense variant. On other transcripts: non-coding transcript variant (2), intron variant (1).
Genome position (GRCh38, 1-based): chr11:118,584,616, A>G. VCF-style: chr11-118584616-A-G. GRCh37 (hg19) VCF-style: chr11-118455331-A-G.
Other names: c.526A>G, p.Met176Val (NM_001142281.2, NM_001425081.1); c.790A>G, p.Met264Val (NM_001425073.1, NM_001425078.1); c.787A>G, p.Met263Val (NM_001425074.1, NM_001425079.1); c.733A>G, p.Met245Val (NM_001425075.1); c.721A>G, p.Met241Val (NM_001425076.1); c.346A>G, p.Met116Val (NM_001425080.1); c.653+602A>G (NM_001425077.1); short protein forms M116V, M176V, M241V, M245V, M263V, M264V.
Identifiers: ClinVar variation 3618916 (VCV003618916.2).